The following is an entry in ClinVar:

ClinVar aggregate classification (germline): Conflicting classifications of pathogenicity. Review status: criteria provided, conflicting classifications (1 of 4 stars). 2 submissions from 2 submitters: Uncertain significance (1); Likely benign (1). Last evaluated 2026-05-31.

Allele frequency attached by ClinVar (database versions not stated): gnomAD exomes 0.00002 and 0.00003; 1000 Genomes Project 30x 0.00016; 1000 Genomes Project 0.00020; TOPMed 0.00027; gnomAD 0.00014 and 0.00013; ExAC 0.00006.
gnomAD v4.1: 32 of 1,550,716 alleles (0.0021%); highest among the groups gnomAD compares: Admixed American, 0.051%; no homozygotes.

Submissions (2):

GeneDx
Classification: Uncertain significance. Last evaluated: 2026-05-31. Review status: criteria provided, single submitter. Criteria: GeneDx Variant Classification Process June 2021. Collection method: clinical testing. Allele origin: germline.
Comment: In silico analysis suggests that this missense variant does not alter protein structure/function; Has not been previously published as pathogenic or benign to our knowledge

Laboratory for Molecular Medicine, Mass General Brigham Personalized Medicine
Classification: Likely benign. Last evaluated: 2015-04-30. Review status: criteria provided, single submitter. Criteria: LMM Criteria. Collection method: clinical testing. Allele origin: germline. Observed: 3 variant alleles.
Comment: p.Pro1696Leu in exon 35 of OTOG: This variant is not expected to have clinical s ignificance due to a lack of conservation across species, including mammals. Of note, rabbit, pika, and elephant shrew have a leucine (Leu) at this position. In addition, computational prediction tools do not suggest a high likelihood of im pact to the protein.

NM_001292063.2(OTOG):c.5051C>T (p.Pro1684Leu)

Gene: OTOG (otogelin; plus strand). Cytogenetic location: 11p15.1.
Variant type: single nucleotide variant.
Coding change: c.5051C>T on transcript NM_001292063.2 (MANE Select); coding-DNA position 5051, C replaced by T.
Protein change: p.Pro1684Leu; replaces proline 1684 with leucine.
Molecular consequence: missense variant.
Genome position (GRCh38, 1-based): chr11:17,610,351, C>T. VCF-style: chr11-17610351-C-T. GRCh37 (hg19) VCF-style: chr11-17631898-C-T.
Other names: c.5087C>T, p.Pro1696Leu (NM_001277269.2); short protein forms P1696L, P1684L.
Identifiers: ClinVar variation 227783 (VCV000227783.7), dbSNP rs553479177, ClinGen allele CA5905889.